The following is an entry in ClinVar:

ClinVar aggregate classification (germline): Uncertain significance. Review status: criteria provided, multiple submitters, no conflicts (2 of 4 stars). 3 submissions from 3 submitters: Uncertain significance (3). Last evaluated 2022-12-14.

Conditions:
Hereditary cancer-predisposing syndrome. Also called: Neoplastic Syndromes, Hereditary; Hereditary neoplastic syndrome; Tumor predisposition; Hereditary Cancer Syndrome. Identifiers: Orphanet 140162, MedGen C0027672, MeSH D009386, MONDO:0015356.
Bloom syndrome (BLM). Also called: Bloom-Torre-Machacek syndrome. Identifiers: Orphanet 125, MedGen C0005859, MONDO:0008876, OMIM 210900.

Submissions (3):

Ambry Genetics
Classification: Uncertain significance for Hereditary cancer-predisposing syndrome. Last evaluated: 2022-12-14. Review status: criteria provided, single submitter. Criteria: Ambry Variant Classification Scheme 2023. Collection method: clinical testing. Allele origin: germline.
Comment: The p.N417S variant (also known as c.1250A>G), located in coding exon 6 of the BLM gene, results from an A to G substitution at nucleotide position 1250. The asparagine at codon 417 is replaced by serine, an amino acid with highly similar properties. This amino acid position is conserved. In addition, this alteration is predicted to be tolerated by in silico analysis. Since supporting evidence is limited at this time, the clinical significance of this alteration remains unclear.

Labcorp Genetics (formerly Invitae), Labcorp
Classification: Uncertain significance for Bloom syndrome. Last evaluated: 2021-11-26. Review status: criteria provided, single submitter. Criteria: Invitae Variant Classification Sherloc (09022015). Collection method: clinical testing. Allele origin: germline.
Comment: This sequence change replaces asparagine, which is neutral and polar, with serine, which is neutral and polar, at codon 417 of the BLM protein (p.Asn417Ser). This variant is not present in population databases (gnomAD no frequency). This variant has not been reported in the literature in individuals affected with BLM-related conditions. Algorithms developed to predict the effect of missense changes on protein structure and function output the following: SIFT: "Tolerated"; PolyPhen-2: "Benign"; Align-GVGD: "Class C0". The serine amino acid residue is found in multiple mammalian species, which suggests that this missense change does not adversely affect protein function. In summary, the available evidence is currently insufficient to determine the role of this variant in disease. Therefore, it has been classified as a Variant of Uncertain Significance.

Royal Medical Services, Bahrain Defence Force Hospital
Classification: Uncertain significance for Bloom syndrome. Review status: criteria provided, single submitter. Criteria: ACMG Guidelines, 2015. Collection method: clinical testing. Allele origin: biparental, unknown. Affected: yes and no. Observed: 2 heterozygotes, 1 homozygote. Clinical features observed: Abnormal cerebral white matter morphology, Abnormal CNS myelination, Abnormal facial shape, Abnormality of the skin, Autism, Cognitive impairment, Deeply set eye, Intellectual disability, Long face, Micrognathia, Ophthalmoplegia, Recurrent infections, and 3 more.

NM_000057.4(BLM):c.1250A>G (p.Asn417Ser)

Gene: BLM (BLM RecQ like helicase; plus strand). Cytogenetic location: 15q26.1.
Variant type: single nucleotide variant.
Coding change: c.1250A>G on transcript NM_000057.4 (MANE Select); coding-DNA position 1250, A replaced by G.
Protein change: p.Asn417Ser; replaces asparagine 417 with serine.
Molecular consequence: missense variant.
Genome position (GRCh38, 1-based): chr15:90,760,623, A>G. VCF-style: chr15-90760623-A-G. GRCh37 (hg19) VCF-style: chr15-91303853-A-G.
Other names: c.1250A>G (NM_000057.2); c.1250A>G, p.Asn417Ser (NM_001287246.2, NM_001287247.2); c.125A>G, p.Asn42Ser (NM_001287248.2); short protein forms N42S, N417S.
Identifiers: ClinVar variation 1391447 (VCV001391447.5), dbSNP rs2151157798, ClinGen allele CA393842651.